The following is an entry in ClinVar:

NM_001458.5(FLNC):c.1491C>A (p.Phe497Leu)

Gene: FLNC (filamin C; plus strand). Cytogenetic location: 7q32.1.
Variant type: single nucleotide variant.
Coding change: c.1491C>A on transcript NM_001458.5 (MANE Select); coding-DNA position 1491, C replaced by A.
Protein change: p.Phe497Leu; replaces phenylalanine 497 with leucine.
Molecular consequence: missense variant.
Genome position (GRCh38, 1-based): chr7:128,840,102, C>A. VCF-style: chr7-128840102-C-A. GRCh37 (hg19) VCF-style: chr7-128480156-C-A.
Other names: c.1491C>A, p.Phe497Leu (NM_001127487.2); short protein forms F497L.
Identifiers: ClinVar variation 1773787 (VCV001773787.2), dbSNP rs1199428558, ClinGen allele CA369225708.

ClinVar aggregate classification (germline): Uncertain significance (1 of 4 stars; one submission).

Conditions:
Cardiovascular phenotype. Identifiers: MedGen CN230736.

Allele frequency attached by ClinVar (database versions not stated): gnomAD 0.00001.
gnomAD v4.1: 1 of 1,614,040 alleles (0.000062%); highest among the groups gnomAD compares: Non-Finnish European, 0.000085%; no homozygotes.

Submission:

Ambry Genetics
Classification: Uncertain significance for Cardiovascular phenotype. Last evaluated: 2022-08-22. Review status: criteria provided, single submitter. Criteria: Ambry Variant Classification Scheme 2023. Collection method: clinical testing. Allele origin: germline.
Comment: The p.F497L variant (also known as c.1491C>A), located in coding exon 9 of the FLNC gene, results from a C to A substitution at nucleotide position 1491. The phenylalanine at codon 497 is replaced by leucine, an amino acid with highly similar properties. This amino acid position is conserved. In addition, this alteration is predicted to be deleterious by in silico analysis. Since supporting evidence is limited at this time, the clinical significance of this alteration remains unclear.